The following is an entry in ClinVar:

NM_024652.6(LRRK1):c.155C>G (p.Ser52Cys)

Gene: LRRK1 (leucine rich repeat kinase 1; plus strand). Cytogenetic location: 15q26.3.
Variant type: single nucleotide variant.
Coding change: c.155C>G on transcript NM_024652.6 (MANE Select); coding-DNA position 155, C replaced by G.
Protein change: p.Ser52Cys; replaces serine 52 with cysteine.
Molecular consequence: missense variant.
Genome position (GRCh38, 1-based): chr15:100,973,861, C>G. VCF-style: chr15-100973861-C-G. GRCh37 (hg19) VCF-style: chr15-101514066-C-G.
Other names: c.155C>G (NM_024652.3); short protein forms S52C.
Identifiers: ClinVar variation 2083169 (VCV002083169.5), dbSNP rs1293448832, ClinGen allele CA393949986.

ClinVar aggregate classification (germline): Conflicting classifications of pathogenicity. Review status: criteria provided, conflicting classifications (1 of 4 stars). 2 submissions from 2 submitters: Uncertain significance (1); Likely benign (1). Last evaluated 2025-08-30.

Conditions:
Inborn genetic diseases. Identifiers: MedGen C0950123, MeSH D030342.

Allele frequency attached by ClinVar (database versions not stated): gnomAD 0.00001; TOPMed 0.00001.
gnomAD v4.1: 5 of 1,291,762 alleles (0.00039%); highest among the groups gnomAD compares: Admixed American, 0.0083%; no homozygotes.

Submissions (2):

Ambry Genetics
Classification: Likely benign for Inborn genetic diseases. Last evaluated: 2025-08-30. Review status: criteria provided, single submitter. Criteria: Ambry Variant Classification Scheme 2023. Collection method: clinical testing. Allele origin: germline.

Labcorp Genetics (formerly Invitae), Labcorp
Classification: Uncertain significance. Last evaluated: 2022-08-21. Review status: criteria provided, single submitter. Criteria: Invitae Variant Classification Sherloc (09022015). Collection method: clinical testing. Allele origin: germline.
Comment: In summary, the available evidence is currently insufficient to determine the role of this variant in disease. Therefore, it has been classified as a Variant of Uncertain Significance. Algorithms developed to predict the effect of missense changes on protein structure and function output the following: SIFT: "Tolerated"; PolyPhen-2: "Benign"; Align-GVGD: "Class C0". The cysteine amino acid residue is found in multiple mammalian species, which suggests that this missense change does not adversely affect protein function. This variant has not been reported in the literature in individuals affected with LRRK1-related conditions. This variant is not present in population databases (gnomAD no frequency). This sequence change replaces serine, which is neutral and polar, with cysteine, which is neutral and slightly polar, at codon 52 of the LRRK1 protein (p.Ser52Cys).